The following is an entry in ClinVar:

NM_006080.3(SEMA3A):c.1452+8_1452+19del

Gene: SEMA3A (semaphorin 3A; minus strand). Cytogenetic location: 7q21.11.
Variant type: Deletion.
Coding change: c.1452+8_1452+19del on transcript NM_006080.3 (MANE Select); bases 8 to 19 of the intron after coding-DNA position 1452, 12 bases deleted (CTGCTTAATTTC).
Molecular consequence: intron variant.
Genome position (GRCh38, 1-based): chr7:84,001,936-84,001,947, GAAATTAAGCAG deleted on the plus strand (CTGCTTAATTTC on the coding strand, the reverse complement: SEMA3A is on the minus strand). VCF-style (leftmost placement, unchanged base first): chr7-84001935-TGAAATTAAGCAG-T. GRCh37 (hg19) VCF-style: chr7-83631251-TGAAATTAAGCAG-T.
Identifiers: ClinVar variation 3355099 (VCV003355099.1).

ClinVar aggregate classification (germline): Likely benign (0 of 4 stars; one submission).

Conditions:
SEMA3A-related disorder. Also called: SEMA3A-related condition.

Submission:

PreventionGenetics, part of Exact Sciences
Classification: Likely benign for SEMA3A-related condition. Last evaluated: 2021-10-15. Review status: no assertion criteria provided. Collection method: clinical testing. Allele origin: germline.
Comment: This variant is classified as likely benign based on ACMG/AMP sequence variant interpretation guidelines (Richards et al. 2015 PMID: 25741868, with internal and published modifications).